The following is an entry in ClinVar:

NM_017763.6(RNF43):c.1961G>C (p.Arg654Thr)

Gene: RNF43 (ring finger protein 43; minus strand). Cytogenetic location: 17q22.
Variant type: single nucleotide variant.
Coding change: c.1961G>C on transcript NM_017763.6 (MANE Select); coding-DNA position 1961, G replaced by C.
Protein change: p.Arg654Thr; replaces arginine 654 with threonine.
Molecular consequence: missense variant.
Genome position (GRCh38, 1-based): chr17:58,357,815, C>G on the plus strand (G>C on the coding strand, the complement: RNF43 is on the minus strand). VCF-style: chr17-58357815-C-G. GRCh37 (hg19) VCF-style: chr17-56435176-C-G.
Other names: c.1961G>C, p.Arg654Thr (NM_001305544.3, NM_001438820.1, NM_001438821.1 and 1 more transcripts); c.1580G>C, p.Arg527Thr (NM_001305545.2, NM_001437987.1); short protein forms R527T, R654T.
Identifiers: ClinVar variation 4579023 (VCV004579023.1).

ClinVar aggregate classification (germline): Uncertain significance (1 of 4 stars; one submission).

gnomAD v4.1: 1 of 1,614,186 alleles (0.000062%); highest among the groups gnomAD compares: Non-Finnish European, 0.000085%; no homozygotes.

Submission:

Ambry Genetics
Classification: Uncertain significance. Last evaluated: 2025-12-13. Review status: criteria provided, single submitter. Criteria: Ambry Variant Classification Scheme 2023. Collection method: clinical testing. Allele origin: germline.
Comment: The p.R654T variant (also known as c.1961G>C), located in coding exon 8 of the RNF43 gene, results from a G to C substitution at nucleotide position 1961. The arginine at codon 654 is replaced by threonine, an amino acid with similar properties. This amino acid position is conserved. In addition, this alteration is predicted to be tolerated by in silico analysis. Based on the available evidence, the clinical significance of this variant remains unclear.